The following is an entry in ClinVar:

ClinVar aggregate classification (germline): Uncertain significance (1 of 4 stars; one submission).

Submission:

GeneDx
Classification: Uncertain significance. Last evaluated: 2023-01-20. Review status: criteria provided, single submitter. Criteria: GeneDx Variant Classification Process June 2021. Collection method: clinical testing. Allele origin: germline. Affected: yes.
Comment: Not observed at significant frequency in large population cohorts (gnomAD); In silico analysis supports that this missense variant does not alter protein structure/function; Has not been previously published as pathogenic or benign to our knowledge

NM_001257291.2(SLC9A7):c.1702C>T (p.Pro568Ser)

Gene: SLC9A7 (solute carrier family 9 member A7; minus strand). Cytogenetic location: Xp11.3.
Variant type: single nucleotide variant.
Coding change: c.1702C>T on transcript NM_001257291.2 (MANE Select); coding-DNA position 1702, C replaced by T.
Protein change: p.Pro568Ser; replaces proline 568 with serine.
Molecular consequence: missense variant.
Genome position (GRCh38, 1-based): chrX:46,631,624, G>A on the plus strand (C>T on the coding strand, the complement: SLC9A7 is on the minus strand). VCF-style: chrX-46631624-G-A. GRCh37 (hg19) VCF-style: chrX-46491059-G-A.
Other names: c.1699C>T, p.Pro567Ser (NM_032591.3); short protein forms P567S, P568S.
Identifiers: ClinVar variation 2574230 (VCV002574230.1), dbSNP rs2519413311, ClinGen allele CA413034519.